The following is an entry in ClinVar:

ClinVar aggregate classification (germline): Uncertain significance. Review status: criteria provided, multiple submitters, no conflicts (2 of 4 stars). 3 submissions from 3 submitters: Uncertain significance (3). Last evaluated 2025-06-29.

Conditions:
Paramyotonia congenita of Von Eulenburg. Also called: PARALYSIS PERIODICA PARAMYOTONICA; Paramyotonia Congenita; Eulenburg disease; Myotonia congenita intermittens; Von Eulenburg paramyotonia congenita. Identifiers: Orphanet 684, MedGen C0221055, MONDO:0008195, OMIM 168300. Disease mechanism: loss of function.
Congenital myasthenic syndrome 16. Identifiers: Orphanet 590, MedGen C3280112, MONDO:0013620, OMIM 614198.
Hypokalemic periodic paralysis, type 1. Also called: Hypokalemic Periodic Paralysis Type 1 (AD); HypoPP. Identifiers: Orphanet 681, MedGen C3714580, MONDO:0042979, OMIM 170400.
Potassium-aggravated myotonia. Also called: MYOTONIA CONGENITA, ACETAZOLAMIDE-RESPONSIVE; MYOTONIA CONGENITA, ATYPICAL; SODIUM CHANNEL MUSCLE DISEASE; Myotonia congenita, atypical, acetazolamide-responsive. Identifiers: Orphanet 612, Orphanet 99734, Orphanet 99735, Orphanet 99736, MedGen C2931826, MONDO:0018959, OMIM 608390.
Hypokalemic periodic paralysis, type 2 (HOKPP2). Identifiers: Orphanet 681, MedGen C2750061, MONDO:0013234, OMIM 613345.
Hyperkalemic periodic paralysis. Also called: Familial hyperkalemic periodic paralysis; Gamstorp disease. Identifiers: Orphanet 682, MedGen C0238357, MONDO:0008224, OMIM 170500, HP:0007215.

Allele frequency attached by ClinVar (database versions not stated): gnomAD 0.00001; gnomAD exomes below 0.00001.
gnomAD v4.1: 7 of 1,493,792 alleles (0.00047%); highest among the groups gnomAD compares: East Asian, 0.0027%; no homozygotes.

Submissions (3):

GeneDx
Classification: Uncertain significance. Last evaluated: 2025-06-29. Review status: criteria provided, single submitter. Criteria: GeneDx Variant Classification Process June 2021. Collection method: clinical testing. Allele origin: germline. Affected: yes.
Comment: Not observed at significant frequency in large population cohorts (gnomAD); In silico analysis supports that this missense variant has a deleterious effect on protein structure/function; Has not been previously published as pathogenic or benign to our knowledge

Labcorp Genetics (formerly Invitae), Labcorp
Classification: Uncertain significance for Hyperkalemic periodic paralysis. Last evaluated: 2022-08-15. Review status: criteria provided, single submitter. Criteria: Invitae Variant Classification Sherloc (09022015). Collection method: clinical testing. Allele origin: germline.
Comment: In summary, the available evidence is currently insufficient to determine the role of this variant in disease. Therefore, it has been classified as a Variant of Uncertain Significance. Algorithms developed to predict the effect of missense changes on protein structure and function are either unavailable or do not agree on the potential impact of this missense change (SIFT: "Deleterious"; PolyPhen-2: "Benign"; Align-GVGD: "Class C0"). ClinVar contains an entry for this variant (Variation ID: 1368980). This variant has not been reported in the literature in individuals affected with SCN4A-related conditions. This variant is present in population databases (rs370438278, gnomAD 0.006%). This sequence change replaces histidine, which is basic and polar, with tyrosine, which is neutral and polar, at codon 605 of the SCN4A protein (p.His605Tyr).

Fulgent Genetics
Classification: Uncertain significance for Paramyotonia congenita of Von Eulenburg; Hypokalemic periodic paralysis, type 1; Hyperkalemic periodic paralysis; Potassium-aggravated myotonia; Hypokalemic periodic paralysis, type 2; Congenital myasthenic syndrome 16. Last evaluated: 2022-05-10. Review status: criteria provided, single submitter. Criteria: ACMG Guidelines, 2015. Collection method: clinical testing. Allele origin: unknown.

NM_000334.4(SCN4A):c.1813C>T (p.His605Tyr)

Gene: SCN4A (sodium voltage-gated channel alpha subunit 4; minus strand). Cytogenetic location: 17q23.3.
Variant type: single nucleotide variant.
Coding change: c.1813C>T on transcript NM_000334.4 (MANE Select); coding-DNA position 1813, C replaced by T.
Protein change: p.His605Tyr; replaces histidine 605 with tyrosine.
Molecular consequence: missense variant.
Genome position (GRCh38, 1-based): chr17:63,961,225, G>A on the plus strand (C>T on the coding strand, the complement: SCN4A is on the minus strand). VCF-style: chr17-63961225-G-A. GRCh37 (hg19) VCF-style: chr17-62038585-G-A.
Other names: short protein forms H605Y.
Identifiers: ClinVar variation 1368980 (VCV001368980.16), dbSNP rs370438278, ClinGen allele CA292967454.